The following is an entry in ClinVar:

ClinVar aggregate classification (germline): Benign. Review status: criteria provided, multiple submitters, no conflicts (2 of 4 stars). 15 submissions from 15 submitters: Benign (9). 6 of the submissions do not count toward it. Last evaluated 2026-09-08.

Conditions:
Hypertrophic cardiomyopathy. Also called: HYPERTROPHIC MYOCARDIOPATHY. Identifiers: Orphanet 217569, MedGen C0007194, MeSH D002312, MONDO:0005045, HP:0001639.
Fabry disease. Also called: Fabry's disease; Angiokeratoma corporis diffusum; ALPHA-GALACTOSIDASE A DEFICIENCY; ANDERSON-FABRY DISEASE; CERAMIDE TRIHEXOSIDASE DEFICIENCY; Ceramide trihexosidosis. Identifiers: Orphanet 324, MedGen C0002986, MONDO:0010526, OMIM 301500, HP:0001071. Disease mechanism: loss of function, Fabry disease is due to inactivating mutations in the X-linked GLA gene resulting in deficiency of the enzyme Alpha Galactosidase-A..

Allele frequency attached by ClinVar (database versions not stated): gnomAD 0.12447 and 0.12837; TOPMed 0.12863; ESP Exome Variant Server 0.13074; ExAC 0.14474; 1000 Genomes Project 30x 0.15796; 1000 Genomes Project 0.16106.
gnomAD v4.1: 154,163 of 1,180,033 alleles (13%); highest among the groups gnomAD compares: South Asian, 31%; 7,341 homozygotes.

Submissions (15):

Genomenon, Inc
Classification: Benign for Fabry disease. Last evaluated: 2026-09-08. Review status: criteria provided, single submitter. Criteria: Genomenon Sequence Variant Interpretation Standards - Updated. Collection method: curation. Allele origin: germline. Affected: no.
Comment: GLA c.640-16A>G is an intronic variant located in the acceptor splice region of intron 4. This variant is present at high allele frequency in population databases. We classify GLA c.640-16A>G as a benign variant.

Labcorp Genetics (formerly Invitae), Labcorp
Classification: Benign for Fabry disease. Last evaluated: 2026-02-04. Review status: criteria provided, single submitter. Criteria: Invitae Variant Classification Sherloc (09022015). Collection method: clinical testing. Allele origin: germline.

Blueprint Genetics
Classification: Benign. Last evaluated: 2024-11-28. Review status: criteria provided, single submitter. Criteria: ACMG Guidelines, 2015. Collection method: clinical testing. Allele origin: germline.

Genome-Nilou Lab
Classification: Benign for Fabry disease. Last evaluated: 2021-07-15. Review status: criteria provided, single submitter. Criteria: ACMG Guidelines, 2015. Collection method: clinical testing. Allele origin: germline. Affected: no.

Women's Health and Genetics/Laboratory Corporation of America, LabCorp
Classification: Benign. Last evaluated: 2020-10-16. Review status: criteria provided, single submitter. Criteria: LabCorp Variant Classification Summary - May 2015. Collection method: clinical testing. Allele origin: germline.
Comment: Variant summary: GLA c.640-16A>G alters a nucleotide located close to a canonical splice site and therefore could affect mRNA splicing, leading to a significantly altered protein sequence. 4/4 computational tools predict no significant impact on normal splicing. However, these predictions have yet to be confirmed by functional studies. The variant allele was found at a frequency of 0.14 in 183214 control chromosomes in the gnomAD database, including 1381 homozygotes. The observed variant frequency is approximately 19.98 fold of the estimated maximal expected allele frequency for a pathogenic variant in GLA causing Cardiomyopathy phenotype (0.0071), strongly suggesting that the variant is benign. Two clinical diagnostic laboratories have submitted clinical-significance assessments for this variant to ClinVar after 2014 without evidence for independent evaluation. All laboratories classified the variant as benign. Based on the evidence outlined above, the variant was classified as benign.

Eurofins Ntd Llc (ga)
Classification: Benign. Last evaluated: 2018-04-17. Review status: criteria provided, single submitter. Criteria: EGL ClinVar v180209 classification definitions. Collection method: clinical testing. Allele origin: germline. Observed: 124 variant alleles, 89 heterozygotes, 17 homozygotes, 18 hemizygotes.

GeneDx
Classification: Benign. Last evaluated: 2015-03-03. Review status: criteria provided, single submitter. Criteria: GeneDx Variant Classification Process June 2021. Collection method: clinical testing. Allele origin: germline. Affected: yes.

Breakthrough Genomics
Classification: Benign. Review status: criteria provided, single submitter. Criteria: ACMG Guidelines, 2015. Collection method: not provided. Allele origin: germline. Inheritance: X-linked inheritance. Affected: yes.

PreventionGenetics, part of Exact Sciences
Classification: Benign. Review status: criteria provided, single submitter. Criteria: ACMG Guidelines, 2015. Collection method: clinical testing. Allele origin: germline.

Cohesion Phenomics
Classification: Benign for Hypertrophic cardiomyopathy. Last evaluated: 2022-09-29. Review status: no assertion criteria provided. Criteria: ACMG Guidelines, 2015. Collection method: clinical testing. Allele origin: germline. Affected: yes. Not counted in ClinVar's aggregate classification.

Mayo Clinic Laboratories, Mayo Clinic
Classification: Benign. Last evaluated: 2015-12-15. Review status: no assertion criteria provided. Collection method: clinical testing. Allele origin: unknown. Not counted in ClinVar's aggregate classification.

Clinical Genetics DNA and cytogenetics Diagnostics Lab, Erasmus MC, Erasmus Medical Center
Classification: Benign. Review status: no assertion criteria provided. Collection method: clinical testing. Allele origin: germline. Affected: yes. Study: VKGL Data-share Consensus. Not counted in ClinVar's aggregate classification.

Clinical Genetics, Academic Medical Center
Classification: Benign. Review status: no assertion criteria provided. Collection method: clinical testing. Allele origin: germline. Affected: yes. Study: VKGL Data-share Consensus. Not counted in ClinVar's aggregate classification.

Genome Diagnostics Laboratory, University Medical Center Utrecht
Classification: Benign. Review status: no assertion criteria provided. Collection method: clinical testing. Allele origin: germline. Affected: yes. Study: VKGL Data-share Consensus. Not counted in ClinVar's aggregate classification.

Joint Genome Diagnostic Labs from Nijmegen and Maastricht, Radboudumc and MUMC+
Classification: Benign. Review status: no assertion criteria provided. Collection method: clinical testing. Allele origin: germline. Affected: yes. Study: VKGL Data-share Consensus. Not counted in ClinVar's aggregate classification.

NM_000169.3(GLA):c.640-16A>G

Genes: GLA (galactosidase alpha; minus strand), RPL36A-HNRNPH2 (RPL36A-HNRNPH2 readthrough; plus strand). Cytogenetic location: Xq22.1.
Variant type: single nucleotide variant.
Coding change: c.640-16A>G on transcript NM_000169.3 (MANE Select); 16 bases into the intron before coding-DNA position 640, A replaced by G.
Molecular consequence: intron variant.
Genome position (GRCh38, 1-based): chrX:101,398,962, T>C on the plus strand (A>G on the coding strand, the complement: GLA is on the minus strand). VCF-style: chrX-101398962-T-C. GRCh37 (hg19) VCF-style: chrX-100653950-T-C.
Other names: c.300+3505T>C (NM_001199973.2); c.177+7140T>C (NM_001199974.2); c.763-16A>G (NM_001406747.1); c.640-16A>G (NM_001406748.1).
Identifiers: ClinVar variation 92559 (VCV000092559.30), dbSNP rs2071397, ClinGen allele CA021891.